The following is an entry in ClinVar:

ClinVar aggregate classification (germline): Uncertain significance (1 of 4 stars; one submission).

gnomAD v4.1: 2 of 1,613,826 alleles (0.00012%); highest among the groups gnomAD compares: African/African-American, 0.0013%; no homozygotes.

Submission:

Labcorp Genetics (formerly Invitae), Labcorp
Classification: Uncertain significance. Last evaluated: 2024-10-21. Review status: criteria provided, single submitter. Criteria: Invitae Variant Classification Sherloc (09022015). Collection method: clinical testing. Allele origin: germline.
Comment: This sequence change replaces alanine, which is neutral and non-polar, with threonine, which is neutral and polar, at codon 1105 of the IGF1R protein (p.Ala1105Thr). This variant is present in population databases (no rsID available, gnomAD 0.007%). This variant has not been reported in the literature in individuals affected with IGF1R-related conditions. Invitae Evidence Modeling of protein sequence and biophysical properties (such as structural, functional, and spatial information, amino acid conservation, physicochemical variation, residue mobility, and thermodynamic stability) indicates that this missense variant is not expected to disrupt IGF1R protein function with a negative predictive value of 80%. In summary, the available evidence is currently insufficient to determine the role of this variant in disease. Therefore, it has been classified as a Variant of Uncertain Significance.

NM_000875.5(IGF1R):c.3313G>A (p.Ala1105Thr)

Gene: IGF1R (insulin like growth factor 1 receptor; plus strand). Cytogenetic location: 15q26.3.
Variant type: single nucleotide variant.
Coding change: c.3313G>A on transcript NM_000875.5 (MANE Select); coding-DNA position 3313, G replaced by A.
Protein change: p.Ala1105Thr; replaces alanine 1105 with threonine.
Molecular consequence: missense variant.
Genome position (GRCh38, 1-based): chr15:98,939,216, G>A. VCF-style: chr15-98939216-G-A. GRCh37 (hg19) VCF-style: chr15-99482445-G-A.
Other names: c.3310G>A, p.Ala1104Thr (NM_001291858.2); short protein forms A1104T, A1105T.
Identifiers: ClinVar variation 3621300 (VCV003621300.2).
Genomic context (GRCh38, chr15:98,939,216, plus strand): 5'-AAAAAATCCAAAATTCTCATGTGAATTTTTTTAAATCTCCAACAGAATAATCCAGTCCTA[G>A]CACCTCCAAGCCTGAGCAAGATGATTCAGATGGCCGGAGAGATTGCAGACGGCATGGCAT-3'
Protein context (NP_000866.1, residues 1095-1115): RPEMENNPVL[Ala1105Thr]PPSLSKMIQM